The following is an entry in ClinVar:

ClinVar aggregate classification (germline): Uncertain significance. Review status: criteria provided, multiple submitters, no conflicts (2 of 4 stars). 2 submissions from 2 submitters: Uncertain significance (2). Last evaluated 2022-08-31.

Conditions:
Familial temporal lobe epilepsy 8. Identifiers: Orphanet 101046, MedGen C4225318, MONDO:0014650, OMIM 616461.

Allele frequency attached by ClinVar (database versions not stated): TOPMed 0.00018; ExAC 0.00002; gnomAD exomes 0.00003; gnomAD 0.00007.
gnomAD v4.1: 18 of 1,608,430 alleles (0.0011%); highest among the groups gnomAD compares: African/African-American, 0.013%; no homozygotes.

Submissions (2):

Labcorp Genetics (formerly Invitae), Labcorp
Classification: Uncertain significance for Familial temporal lobe epilepsy 8. Last evaluated: 2022-08-31. Review status: criteria provided, single submitter. Criteria: Invitae Variant Classification Sherloc (09022015). Collection method: clinical testing. Allele origin: germline.
Comment: ClinVar contains an entry for this variant (Variation ID: 574523). Algorithms developed to predict the effect of missense changes on protein structure and function output the following: SIFT: "Not Available"; PolyPhen-2: "Benign"; Align-GVGD: "Not Available". The threonine amino acid residue is found in multiple mammalian species, which suggests that this missense change does not adversely affect protein function. In summary, the available evidence is currently insufficient to determine the role of this variant in disease. Therefore, it has been classified as a Variant of Uncertain Significance. This variant has not been reported in the literature in individuals affected with GAL-related conditions. This sequence change replaces alanine, which is neutral and non-polar, with threonine, which is neutral and polar, at codon 15 of the GAL protein (p.Ala15Thr). This variant is present in population databases (rs753843211, gnomAD 0.03%).

Ambry Genetics
Classification: Uncertain significance. Last evaluated: 2021-08-02. Review status: criteria provided, single submitter. Criteria: Ambry Variant Classification Scheme 2023. Collection method: clinical testing. Allele origin: germline.

NM_015973.5(GAL):c.43G>A (p.Ala15Thr)

Gene: GAL (galanin and GMAP prepropeptide; plus strand). Cytogenetic location: 11q13.2.
Variant type: single nucleotide variant.
Coding change: c.43G>A on transcript NM_015973.5 (MANE Select); coding-DNA position 43, G replaced by A.
Protein change: p.Ala15Thr; replaces alanine 15 with threonine.
Molecular consequence: missense variant.
Genome position (GRCh38, 1-based): chr11:68,684,966, G>A. VCF-style: chr11-68684966-G-A. GRCh37 (hg19) VCF-style: chr11-68452434-G-A.
Other names: short protein forms A15T.
Identifiers: ClinVar variation 574523 (VCV000574523.12), dbSNP rs753843211, ClinGen allele CA6151400.